The following is an entry in ClinVar:

ClinVar aggregate classification (germline): Conflicting classifications of pathogenicity. Review status: criteria provided, conflicting classifications (1 of 4 stars). 5 submissions from 5 submitters: Pathogenic (1); Likely pathogenic (2); Uncertain significance (1). 1 of the submissions does not count toward it. Last evaluated 2025-09-25.

Conditions:
Glutaric aciduria, type 1. Also called: Glutaryl-CoA dehydrogenase deficiency; Glutaricacidemia Type 1; Glutaricaciduria, type I; Glutaric Acidemia Type 1; GA I; Glutaric acidemia type I. Identifiers: Orphanet 25, MedGen C0268595, MONDO:0009281, OMIM 231670.

Allele frequency attached by ClinVar (database versions not stated): gnomAD exomes below 0.00001.
gnomAD v4.1: 4 of 1,614,148 alleles (0.00025%); highest among the groups gnomAD compares: Non-Finnish European, 0.00034%; no homozygotes.

Submissions (5):

Myriad Genetics, Inc.
Classification: Uncertain significance for Glutaric aciduria, type 1. Last evaluated: 2025-09-25. Review status: criteria provided, single submitter. Criteria: Myriad Autosomal Dominant, Autosomal Recessive and X-Linked Classification Criteria (2023). Collection method: clinical testing. Allele origin: unknown.
Comment: NM_000159.2(GCDH):c.1115G>A(R372K) is a missense variant classified as a variant of uncertain significance in the context of glutaric acidemia, GCDH-related. R372K has been observed in cases with relevant disease (PMID: 23395213, 10960496). Relevant functional assessments of this variant are not available in the literature. R372K has not been observed in referenced population frequency databases. In summary, there is insufficient evidence to classify NM_000159.2(GCDH):c.1115G>A(R372K) as pathogenic or benign. Please note: this variant was assessed in the context of healthy population screening.

Women's Health and Genetics/Laboratory Corporation of America, LabCorp
Classification: Likely pathogenic for Glutaric aciduria, type 1. Last evaluated: 2025-05-28. Review status: criteria provided, single submitter. Criteria: LabCorp Variant Classification Summary - May 2015. Collection method: clinical testing. Allele origin: germline.
Comment: Variant summary: GCDH c.1115G>A (p.Arg372Lys) results in a conservative amino acid change in the encoded protein sequence. Algorithms developed to predict the effect of missense changes on protein structure and function are either unavailable or do not agree on the potential impact of this missense change. The variant was absent in 251480 control chromosomes (gnomAD). c.1115G>A has been observed in individuals affected with Glutaric Acidemia Type 1 (e.g., Busquets_2000, Cource_2013, Labcorp (formerly Invitae)). These data indicate that the variant may be associated with disease. Fibroblasts from a patient compound heterozygous with a pathogenic frameshift variant showed <0.5% of normal enzymatic activity (Busquets_2000). The following publications have been ascertained in the context of this evaluation (PMID: 10960496, 37020324, 23395213). ClinVar contains an entry for this variant (Variation ID: 557606). Based on the evidence outlined above, the variant was classified as likely pathogenic.

Labcorp Genetics (formerly Invitae), Labcorp
Classification: Pathogenic for Glutaric aciduria, type 1. Last evaluated: 2024-10-30. Review status: criteria provided, single submitter. Criteria: Invitae Variant Classification Sherloc (09022015). Collection method: clinical testing. Allele origin: germline.
Comment: This sequence change replaces arginine, which is basic and polar, with lysine, which is basic and polar, at codon 372 of the GCDH protein (p.Arg372Lys). This variant is not present in population databases (gnomAD no frequency). This missense change has been observed in individual(s) with glutaric acidemia type 1 (PMID: 10960496, 23395213; internal data). ClinVar contains an entry for this variant (Variation ID: 557606). Invitae Evidence Modeling of protein sequence and biophysical properties (such as structural, functional, and spatial information, amino acid conservation, physicochemical variation, residue mobility, and thermodynamic stability) has been performed for this missense variant. However, the output from this modeling did not meet the statistical confidence thresholds required to predict the impact of this variant on GCDH protein function. For these reasons, this variant has been classified as Pathogenic.

Baylor Genetics
Classification: Likely pathogenic for Glutaric aciduria, type 1. Last evaluated: 2024-03-27. Review status: criteria provided, single submitter. Criteria: ACMG Guidelines, 2015. Collection method: clinical testing. Allele origin: unknown.

Counsyl
Classification: Uncertain significance for Glutaric aciduria, type 1. Last evaluated: 2018-04-04. Review status: no assertion criteria provided. Collection method: clinical testing. Allele origin: unknown. Not counted in ClinVar's aggregate classification.

Literature cited by the submitters: PubMed 10960496 (cited by 4 submitters); PubMed 23395213 (cited by 4 submitters); PubMed 37020324 (cited by Women's Health and Genetics/Laboratory Corporation of America, LabCorp).

NM_000159.4(GCDH):c.1115G>A (p.Arg372Lys)

Gene: GCDH (glutaryl-CoA dehydrogenase; plus strand). Cytogenetic location: 19p13.13.
Variant type: single nucleotide variant.
Coding change: c.1115G>A on transcript NM_000159.4 (MANE Select); coding-DNA position 1115, G replaced by A.
Protein change: p.Arg372Lys; replaces arginine 372 with lysine.
Molecular consequence: missense variant. On other transcripts: non-coding transcript variant (2).
Genome position (GRCh38, 1-based): chr19:12,897,735, G>A. VCF-style: chr19-12897735-G-A. GRCh37 (hg19) VCF-style: chr19-13008549-G-A.
Other names: c.1115G>A, p.Arg372Lys (NM_013976.5); short protein forms R372K.
Identifiers: ClinVar variation 557606 (VCV000557606.15), dbSNP rs1555751240, ClinGen allele CA404321329.